The following is an entry in ClinVar:

NM_000062.3(SERPING1):c.551-2A>G

Gene: SERPING1 (serpin family G member 1; plus strand). Cytogenetic location: 11q12.1.
Variant type: single nucleotide variant.
Coding change: c.551-2A>G on transcript NM_000062.3 (MANE Select); the canonical splice acceptor site of the intron before coding-DNA position 551, A replaced by G.
Molecular consequence: splice acceptor variant.
Genome position (GRCh38, 1-based): chr11:57,602,033, A>G. VCF-style: chr11-57602033-A-G. GRCh37 (hg19) VCF-style: chr11-57369506-A-G.
Other names: c.551-2A>G (NM_001032295.2).
Identifiers: ClinVar variation 4683108 (VCV004683108.2).

ClinVar aggregate classification (germline): Pathogenic. Review status: criteria provided, multiple submitters, no conflicts (2 of 4 stars). 2 submissions from 2 submitters: Pathogenic (2). Last evaluated 2025-12-15.

Conditions:
SERPING1-related disorder. Also called: SERPING1-related condition.
Hereditary angioedema type 1 (HAE1). Identifiers: Orphanet 100050, Orphanet 100051, Orphanet 91378, MedGen C2717906, MONDO:0015053, OMIM 106100.

Submissions (2):

Institute of Human Genetics, University of Leipzig Medical Center
Classification: Pathogenic for Hereditary angioedema type 1. Last evaluated: 2025-12-15. Review status: criteria provided, single submitter. Criteria: ACMG Guidelines, 2015. Collection method: clinical testing. Allele origin: unknown. Inheritance: Autosomal dominant inheritance. Affected: yes.
Comment: Criteria applied: PVS1,PS4_MOD,PM2

Blueprint Genetics
Classification: Pathogenic for SERPING1-related disorders. Last evaluated: 2021-03-09. Review status: criteria provided, single submitter. Criteria: ACMG Guidelines, 2015. Collection method: clinical testing. Allele origin: germline. Affected: yes. Observed: 1 variant allele.